The following is an entry in ClinVar:

NM_000455.5(STK11):c.1183A>C (p.Thr395Pro)

Gene: STK11 (serine/threonine kinase 11; plus strand). Cytogenetic location: 19p13.3.
Variant type: single nucleotide variant.
Coding change: c.1183A>C on transcript NM_000455.5 (MANE Select); coding-DNA position 1183, A replaced by C.
Protein change: p.Thr395Pro; replaces threonine 395 with proline.
Molecular consequence: missense variant.
Genome position (GRCh38, 1-based): chr19:1,226,528, A>C. VCF-style: chr19-1226528-A-C. GRCh37 (hg19) VCF-style: chr19-1226527-A-C.
Other names: short protein forms T395P.
Identifiers: ClinVar variation 920890 (VCV000920890.8), dbSNP rs587782138, ClinGen allele CA402953584.

ClinVar aggregate classification (germline): Uncertain significance. Review status: criteria provided, multiple submitters, no conflicts (2 of 4 stars). 2 submissions from 2 submitters: Uncertain significance (2). Last evaluated 2023-12-05.

Conditions:
Hereditary cancer-predisposing syndrome. Also called: Hereditary Cancer Syndrome; Hereditary neoplastic syndrome; Neoplastic Syndromes, Hereditary; Tumor predisposition. Identifiers: Orphanet 140162, MedGen C0027672, MeSH D009386, MONDO:0015356.
Peutz-Jeghers syndrome (PJS). Also called: POLYPOSIS, HAMARTOMATOUS INTESTINAL; POLYPS-AND-SPOTS SYNDROME; Peutz-Jeghers polyposis; Periorificial lentiginosis syndrome. Identifiers: Orphanet 2869, MedGen C0031269, MeSH D010580, MONDO:0008280, OMIM 175200.

Submissions (2):

Color Diagnostics, LLC DBA Color Health
Classification: Uncertain significance for Hereditary cancer-predisposing syndrome. Last evaluated: 2023-12-05. Review status: criteria provided, single submitter. Criteria: ACMG Guidelines, 2015. Collection method: clinical testing. Allele origin: germline.
Comment: This missense variant replaces threonine with proline at codon 395 of the STK11 protein. Computational prediction tools and conservation analyses are inconclusive regarding the impact of this variant on the protein function. Computational splicing tools suggest that this variant may not impact RNA splicing. To our knowledge, functional assays have not been performed for this variant nor has this variant been reported in individuals affected with hereditary cancer in the literature. This variant has not been identified in the general population by the Genome Aggregation Database (gnomAD). Available evidence is insufficient to determine the role of this variant in disease conclusively. Therefore, this variant is classified as a Variant of Uncertain Significance.

Labcorp Genetics (formerly Invitae), Labcorp
Classification: Uncertain significance for Peutz-Jeghers syndrome. Last evaluated: 2023-12-05. Review status: criteria provided, single submitter. Criteria: Invitae Variant Classification Sherloc (09022015). Collection method: clinical testing. Allele origin: germline.
Comment: This sequence change replaces threonine, which is neutral and polar, with proline, which is neutral and non-polar, at codon 395 of the STK11 protein (p.Thr395Pro). This variant is not present in population databases (gnomAD no frequency). This variant has not been reported in the literature in individuals affected with STK11-related conditions. ClinVar contains an entry for this variant (Variation ID: 920890). Advanced modeling of protein sequence and biophysical properties (such as structural, functional, and spatial information, amino acid conservation, physicochemical variation, residue mobility, and thermodynamic stability) performed at Invitae indicates that this missense variant is not expected to disrupt STK11 protein function with a negative predictive value of 95%. In summary, the available evidence is currently insufficient to determine the role of this variant in disease. Therefore, it has been classified as a Variant of Uncertain Significance.